The following is an entry in ClinVar:

NM_007294.4(BRCA1):c.4804G>A (p.Val1602Ile)

Gene: BRCA1 (BRCA1 DNA repair associated; minus strand). Cytogenetic location: 17q21.31.
Variant type: single nucleotide variant.
Coding change: c.4804G>A on transcript NM_007294.4 (MANE Select); coding-DNA position 4804, G replaced by A.
Protein change: p.Val1602Ile; replaces valine 1602 with isoleucine.
Molecular consequence: missense variant. On other transcripts: intron variant (1).
Genome position (GRCh38, 1-based): chr17:43,071,110, C>T on the plus strand (G>A on the coding strand, the complement: BRCA1 is on the minus strand). VCF-style: chr17-43071110-C-T. GRCh37 (hg19) VCF-style: chr17-41223127-C-T.
Other names: c.4537G>A, p.Val1513Ile (NM_001407931.1, NM_001407932.1, NM_001407933.1 and 4 more transcripts); c.4678G>A, p.Val1560Ile (NM_001407939.1, NM_001407863.1, NM_001407940.1 and 11 more transcripts); c.4534G>A, p.Val1512Ile (NM_001407936.1, NM_001407934.1, NM_001407935.1); c.4681G>A, p.Val1561Ile (NM_001407937.1, NM_001407938.1, NM_001407919.1 and 6 more transcripts); c.4663G>A, p.Val1555Ile (NM_001407694.1, NM_001407726.1, NM_001407727.1 and 13 more transcripts); c.1495G>A, p.Val499Ile (NM_001407978.1, NM_001407973.1, NM_001407974.1 and 3 more transcripts); c.1492G>A, p.Val498Ile (NM_001407979.1, NM_001407980.1, NM_001407981.1 and 12 more transcripts); c.1489G>A, p.Val497Ile (NM_001408401.1, NM_001408402.1, NM_001408403.1 and 8 more transcripts); and 71 more; short protein forms V1474I, V1533I, V1554I, V1560I, V1583I, V1601I, V1602I, V371I.
Identifiers: ClinVar variation 3992587 (VCV003992587.1).

ClinVar aggregate classification (germline): Uncertain significance (1 of 4 stars; one submission).

Conditions:
Hereditary cancer-predisposing syndrome. Also called: Tumor predisposition; Hereditary neoplastic syndrome; Neoplastic Syndromes, Hereditary; Hereditary Cancer Syndrome. Identifiers: Orphanet 140162, MedGen C0027672, MeSH D009386, MONDO:0015356.

Submission:

Ambry Genetics
Classification: Uncertain significance for Hereditary cancer-predisposing syndrome. Last evaluated: 2025-03-18. Review status: criteria provided, single submitter. Criteria: Ambry Variant Classification Scheme 2023. Collection method: clinical testing. Allele origin: germline.
Comment: The p.V1602I variant (also known as c.4804G>A), located in coding exon 14 of the BRCA1 gene, results from a G to A substitution at nucleotide position 4804. The valine at codon 1602 is replaced by isoleucine, an amino acid with highly similar properties. This variant was indeterminate in homology directed repair functional assay (Adamovich AI et al. Am J Hum Genet, 2022 Apr;109:618-630). This amino acid position is not well conserved in available vertebrate species. In addition, the in silico prediction for this alteration is inconclusive. Based on the available evidence, the clinical significance of this variant remains unclear.

Literature cited by the submitters: PubMed 35196514.